The following is an entry in ClinVar:

NM_000038.6(APC):c.1854C>T (p.Gly618=)

Gene: APC (APC regulator of Wnt signaling pathway; plus strand). Cytogenetic location: 5q22.2.
Variant type: single nucleotide variant.
Coding change: c.1854C>T on transcript NM_000038.6 (MANE Select); coding-DNA position 1854, C replaced by T.
Protein change: p.Gly618=; no amino-acid change (glycine 618 retained).
Molecular consequence: synonymous variant.
Genome position (GRCh38, 1-based): chr5:112,835,061, C>T. VCF-style: chr5-112835061-C-T. GRCh37 (hg19) VCF-style: chr5-112170758-C-T.
Other names: c.1854C>T, p.Gly618= (NM_001127510.3, NM_001354895.2); c.1800C>T, p.Gly600= (NM_001127511.3); c.1908C>T, p.Gly636= (NM_001354896.2); c.1884C>T, p.Gly628= (NM_001354897.2); c.1779C>T, p.Gly593= (NM_001354898.2); c.1770C>T, p.Gly590= (NM_001354899.2); c.1731C>T, p.Gly577= (NM_001354900.2); c.1677C>T, p.Gly559= (NM_001354901.2); and 5 more.
Identifiers: ClinVar variation 469720 (VCV000469720.17), dbSNP rs780188104, ClinGen allele CA029704.

ClinVar aggregate classification (germline): Benign/Likely benign. Review status: criteria provided, multiple submitters, no conflicts (2 of 4 stars). 5 submissions from 5 submitters: Benign (1); Likely benign (4). Last evaluated 2025-09-14.

Conditions:
Familial adenomatous polyposis 1 (FAP1). Also called: POLYPOSIS, ADENOMATOUS INTESTINAL; FAMILIAL ADENOMATOUS POLYPOSIS 1, ATTENUATED. Identifiers: MedGen C2713442, MONDO:0021056, OMIM 175100. Disease mechanism: loss of function.
Classic or attenuated familial adenomatous polyposis. Identifiers: MedGen CN372698, MONDO:0021057.
Hereditary cancer-predisposing syndrome. Also called: Hereditary neoplastic syndrome; Neoplastic Syndromes, Hereditary; Tumor predisposition; Hereditary Cancer Syndrome. Identifiers: Orphanet 140162, MedGen C0027672, MeSH D009386, MONDO:0015356.

Allele frequency attached by ClinVar (database versions not stated): gnomAD exomes below 0.00001 and 0.00001; ExAC 0.00001.
gnomAD v4.1: 2 of 1,614,100 alleles (0.00012%); highest among the groups gnomAD compares: Admixed American, 0.0017%; no homozygotes.

Submissions (5):

Labcorp Genetics (formerly Invitae), Labcorp
Classification: Likely benign for Familial adenomatous polyposis 1. Last evaluated: 2025-09-14. Review status: criteria provided, single submitter. Criteria: Invitae Variant Classification Sherloc (09022015). Collection method: clinical testing. Allele origin: germline.

Myriad Genetics, Inc.
Classification: Benign for Familial adenomatous polyposis 1. Last evaluated: 2024-03-07. Review status: criteria provided, single submitter. Criteria: Myriad Autosomal Dominant, Autosomal Recessive and X-Linked Classification Criteria (2023). Collection method: clinical testing. Allele origin: unknown.
Comment: This variant is considered benign. This variant is a silent/synonymous amino acid change and it is not expected to impact splicing.

All of Us Research Program, National Institutes of Health
Classification: Likely benign for Classic or attenuated familial adenomatous polyposis. Last evaluated: 2023-05-08. Review status: criteria provided, single submitter. Criteria: ACMG Guidelines, 2015. Collection method: clinical testing. Allele origin: germline. Inheritance: Autosomal dominant inheritance. Observed: 3 variant alleles, 3 heterozygotes.
Comment: This study involves interpretation of variants in research participants for the purpose of population health screening. Participant phenotype was not available at the time of variant classification. Additional details can be found in publication PMID: 35346344, PMCID: PMC8962531

Ambry Genetics
Classification: Likely benign for Hereditary cancer-predisposing syndrome. Last evaluated: 2019-12-09. Review status: criteria provided, single submitter. Criteria: Ambry Variant Classification Scheme 2023. Collection method: clinical testing. Allele origin: germline.

Color Diagnostics, LLC DBA Color Health
Classification: Likely benign for Hereditary cancer-predisposing syndrome. Last evaluated: 2019-11-25. Review status: criteria provided, single submitter. Criteria: ACMG Guidelines, 2015. Collection method: clinical testing. Allele origin: germline.